The following is an entry in ClinVar:

ClinVar aggregate classification (germline): Uncertain significance (1 of 4 stars; one submission).

Conditions:
Progressive myositis ossificans (FOP). Also called: Fibrodysplasia Ossificans Progressiva; Myositis ossificans progressiva; Progressive ossifying myositis. Identifiers: Orphanet 337, MedGen C0016037, MONDO:0007606, OMIM 135100.

Submission:

Seattle Children's Hospital Molecular Genetics Laboratory, Seattle Children's Hospital
Classification: Uncertain significance for Progressive myositis ossificans. Last evaluated: 2021-08-03. Review status: criteria provided, single submitter. Criteria: ACMG Guidelines, 2015. Collection method: clinical testing. Allele origin: germline. Affected: yes.
Comment: A duplication of 45 base pairs was identified in the last exon (exon 9) of WWOX. This variant was confirmed by orthogonal testing. The duplication results in loss of the termination codon and the extension of the WWOX protein by 15 amino acids. This variant has not been reported in the medical literature, in patient databases, or in large population studies (gnomAD v.2.1.1). While functional evidence for loss of function variants and/or biallelic variants of WWOX has been published, the impact of a heterozygous stop-loss variant is uncertain.

NM_016373.4(WWOX):c.1200_1244dup (p.*415Tyrext*15)

Genes: MAF (MAF bZIP transcription factor; minus strand), WWOX (WW domain containing oxidoreductase; plus strand). Cytogenetic location: 16q23.2.
Variant type: Duplication.
Coding change: c.1200_1244dup on transcript NM_016373.4 (MANE Select); coding-DNA positions 1200 to 1244, 45 bases duplicated.
Protein change: p.*415Tyrext*15.
Molecular consequence: inframe insertion.
Genome position (GRCh38, 1-based): chr16:79,211,751-79,211,795, 45 bases duplicated. GRCh37 (hg19): chr16:79,245,648-79,245,692.
Other names: c.861_905dup, p.*302Tyrext*15 (NM_001291997.2).
Identifiers: ClinVar variation 1691349 (VCV001691349.2), dbSNP rs2150868101, ClinGen allele CA2573152726.
Genomic context (GRCh38, chr16:79,211,750, plus strand): 5'-GCCGCTGCATGCCCTCACCAGAAGCTCAGAGCGAAGAGACGGCCCGGACCCTGTGGGCGC[T>TCAGCGAGAGGCTGATCCAAGAACGGCTTGGCAGCCAGTCCGGCTA]CAGCGAGAGGCTGATCCAAGAACGGCTTGGCAGCCAGTCCGGCTAAGTGGAGCTCAGAGC-3'